The following is an entry in ClinVar:

ClinVar aggregate classification (germline): Conflicting classifications of pathogenicity. Review status: criteria provided, conflicting classifications (1 of 4 stars). 2 submissions from 2 submitters: Uncertain significance (1); Benign (1). Last evaluated 2025-09-16.

Conditions:
Familial hypobetalipoproteinemia 1. Also called: APOB-Related Familial Hypobetalipoproteinemia; Hypobetalipoproteinemia, normotriglyceridemic; Acanthocytosis with hypobetalipoproteinemia. Identifiers: MedGen C4551990, MONDO:0014252, OMIM 615558.
Hypercholesterolemia, autosomal dominant, type B (FHCL2). Also called: Hyperlipoproteinemia Type IIb; Familial hypercholesterolemia 2; Familial Hypercholesterolemia Type B; APOLIPOPROTEIN B-100, FAMILIAL DEFECTIVE; APOLIPOPROTEIN B-100, FAMILIAL LIGAND-DEFECTIVE; HYPERCHOLESTEROLEMIA, FAMILIAL, DUE TO LIGAND-DEFECTIVE APOLIPOPROTEIN B. Identifiers: MedGen C1704417, MONDO:0007751, OMIM 144010.
Cardiovascular phenotype. Identifiers: MedGen CN230736.

Allele frequency attached by ClinVar (database versions not stated): gnomAD exomes below 0.00001; ExAC 0.00002; gnomAD 0.00003; TOPMed 0.00003; ESP Exome Variant Server 0.00008; 1000 Genomes Project 30x 0.00016; 1000 Genomes Project 0.00020.
gnomAD v4.1: 8 of 1,613,974 alleles (0.0005%); highest among the groups gnomAD compares: African/African-American, 0.0067%; no homozygotes.

Submissions (2):

Labcorp Genetics (formerly Invitae), Labcorp
Classification: Benign for Familial hypobetalipoproteinemia 1; Hypercholesterolemia, autosomal dominant, type B. Last evaluated: 2025-09-16. Review status: criteria provided, single submitter. Criteria: Invitae Variant Classification Sherloc (09022015). Collection method: clinical testing. Allele origin: germline.

Ambry Genetics
Classification: Uncertain significance for Cardiovascular phenotype. Last evaluated: 2022-03-04. Review status: criteria provided, single submitter. Criteria: Ambry Variant Classification Scheme 2023. Collection method: clinical testing. Allele origin: germline.
Comment: The p.V2828A variant (also known as c.8483T>C), located in coding exon 26 of the APOB gene, results from a T to C substitution at nucleotide position 8483. The valine at codon 2828 is replaced by alanine, an amino acid with similar properties. This amino acid position is conserved. In addition, this alteration is predicted to be tolerated by in silico analysis. Since supporting evidence is limited at this time, the clinical significance of this alteration remains unclear.

NM_000384.3(APOB):c.8483T>C (p.Val2828Ala)

Gene: APOB (apolipoprotein B; minus strand). Cytogenetic location: 2p24.1.
Variant type: single nucleotide variant.
Coding change: c.8483T>C on transcript NM_000384.3 (MANE Select); coding-DNA position 8483, T replaced by C.
Protein change: p.Val2828Ala; replaces valine 2828 with alanine.
Molecular consequence: missense variant.
Genome position (GRCh38, 1-based): chr2:21,008,385, A>G on the plus strand (T>C on the coding strand, the complement: APOB is on the minus strand). VCF-style: chr2-21008385-A-G. GRCh37 (hg19) VCF-style: chr2-21231257-A-G.
Other names: short protein forms V2828A.
Identifiers: ClinVar variation 1763548 (VCV001763548.4), dbSNP rs376250460, ClinGen allele CA065721.
Genomic context (GRCh38, chr2:21,008,385, plus strand): 5'-TTTCCAAAAAACAGCATTTCACTCCCATGCTCCGTTCTCAGGTACTTGCTGGAGAACTTC[A>G]CTGACTCCTTCAGAGCCAGCGGATTAATCTTAGGGTTTGAGAGTTGTGCATTTGCTTGAA-3'
Protein context (NP_000375.3, residues 2818-2838): KINPLALKES[Val2828Ala]KFSSKYLRTE